The following is an entry in ClinVar:

ClinVar aggregate classification (germline): Uncertain significance (1 of 4 stars; one submission).

gnomAD v4.1: 9 of 1,208,626 alleles (0.00074%); highest among the groups gnomAD compares: African/African-American, 0.0035%; no homozygotes.

Submission:

Labcorp Genetics (formerly Invitae), Labcorp
Classification: Uncertain significance. Last evaluated: 2025-10-22. Review status: criteria provided, single submitter. Criteria: Invitae Variant Classification Sherloc (09022015). Collection method: clinical testing. Allele origin: germline.
Comment: This sequence change replaces arginine, which is basic and polar, with histidine, which is basic and polar, at codon 1172 of the CACNA1F protein (p.Arg1172His). This variant is present in population databases (rs782553928, gnomAD 0.008%). This variant has not been reported in the literature in individuals affected with CACNA1F-related conditions. Invitae Evidence Modeling of protein sequence and biophysical properties (such as structural, functional, and spatial information, amino acid conservation, physicochemical variation, residue mobility, and thermodynamic stability) indicates that this missense variant is not expected to disrupt CACNA1F protein function with a negative predictive value of 80%. In summary, the available evidence is currently insufficient to determine the role of this variant in disease. Therefore, it has been classified as a Variant of Uncertain Significance.

NM_001256789.3(CACNA1F):c.3482G>A (p.Arg1161His)

Gene: CACNA1F (calcium voltage-gated channel subunit alpha1 F; minus strand). Cytogenetic location: Xp11.23.
Variant type: single nucleotide variant.
Coding change: c.3482G>A on transcript NM_001256789.3 (MANE Select); coding-DNA position 3482, G replaced by A.
Protein change: p.Arg1161His; replaces arginine 1161 with histidine.
Molecular consequence: missense variant.
Genome position (GRCh38, 1-based): chrX:49,215,201, C>T on the plus strand (G>A on the coding strand, the complement: CACNA1F is on the minus strand). VCF-style: chrX-49215201-C-T. GRCh37 (hg19) VCF-style: chrX-49071661-C-T.
Other names: c.3320G>A, p.Arg1107His (NM_001256790.3); c.3515G>A, p.Arg1172His (NM_005183.4); short protein forms R1107H, R1172H, R1161H.
Identifiers: ClinVar variation 4696049 (VCV004696049.1).
Genomic context (GRCh38, chrX:49,215,201, plus strand): 5'-AAGGCAGCAGAGTTCACAGTGGCCCACACACGATACTGATGCGGGTTCTTGGGGATGTAA[C>T]GGCGGAGTGGCTGGGCCTTGAGGGCATATTCCACACATTGACGCTGCATACCAGGGCAGG-3'
Protein context (NP_001243718.1, residues 1151-1171): EYALKAQPLR[Arg1161His]YIPKNPHQYR